The following is an entry in ClinVar:

ClinVar aggregate classification (germline): Uncertain significance (1 of 4 stars; one submission).

Submission:

CeGaT Center for Human Genetics Tuebingen
Classification: Uncertain significance. Last evaluated: 2023-04-01. Review status: criteria provided, single submitter. Criteria: CeGaT Center For Human Genetics Tuebingen Variant Classification Criteria Version 2. Collection method: clinical testing. Allele origin: germline. Affected: yes. Observed: 1 variant allele.
Comment: SCN4A: PM2

NM_000334.4(SCN4A):c.1696A>C (p.Lys566Gln)

Gene: SCN4A (sodium voltage-gated channel alpha subunit 4; minus strand). Cytogenetic location: 17q23.3.
Variant type: single nucleotide variant.
Coding change: c.1696A>C on transcript NM_000334.4 (MANE Select); coding-DNA position 1696, A replaced by C.
Protein change: p.Lys566Gln; replaces lysine 566 with glutamine.
Molecular consequence: missense variant.
Genome position (GRCh38, 1-based): chr17:63,961,342, T>G on the plus strand (A>C on the coding strand, the complement: SCN4A is on the minus strand). VCF-style: chr17-63961342-T-G. GRCh37 (hg19) VCF-style: chr17-62038702-T-G.
Other names: short protein forms K566Q.
Identifiers: ClinVar variation 2648092 (VCV002648092.24), dbSNP rs1555603658, ClinGen allele CA400633576.